The following is an entry in ClinVar:

NM_002734.5(PRKAR1A):c.566_567delinsCAC (p.Glu189fs)

Gene: PRKAR1A (protein kinase cAMP-dependent type I regulatory subunit alpha; plus strand). Cytogenetic location: 17q24.2.
Variant type: Indel.
Coding change: c.566_567delinsCAC on transcript NM_002734.5 (MANE Select); coding-DNA positions 566 to 567, AA replaced by CAC.
Protein change: p.Glu189fs; shifts the reading frame from glutamic acid 189.
Molecular consequence: frameshift variant.
Genome position (GRCh38, 1-based): chr17:68,525,770-68,525,771, AA replaced by CAC. VCF-style: chr17-68525770-AA-CAC. GRCh37 (hg19) VCF-style: chr17-66521911-AA-CAC.
Other names: c.566_567delinsCAC, p.Glu189fs (NM_001276289.2, NM_001276290.1, NM_001278433.2 and 4 more transcripts); short protein forms E189fs.
Identifiers: ClinVar variation 3717381 (VCV003717381.2), dbSNP rs281864792.

ClinVar aggregate classification (germline): Pathogenic (1 of 4 stars; one submission).

Conditions:
Carney complex, type 1 (CNC1). Also called: CARNEY COMPLEX, TYPE I; CARNEY MYXOMA-ENDOCRINE COMPLEX. Identifiers: Orphanet 1359, MedGen C2607929, MONDO:0008057, OMIM 160980.

Submission:

Labcorp Genetics (formerly Invitae), Labcorp
Classification: Pathogenic for Carney complex, type 1. Last evaluated: 2024-09-15. Review status: criteria provided, single submitter. Criteria: Invitae Variant Classification Sherloc (09022015). Collection method: clinical testing. Allele origin: germline.
Comment: This sequence change creates a premature translational stop signal (p.Glu189Alafs*44) in the PRKAR1A gene. It is expected to result in an absent or disrupted protein product. Loss-of-function variants in PRKAR1A are known to be pathogenic (PMID: 11115848, 19293268). Information on the frequency of this variant in the gnomAD database is not available, as this variant may be reported differently in the database. This premature translational stop signal has been observed in individual(s) with Carney complex (PMID: 11115848). This variant is also known as 653 AA>CAC. For these reasons, this variant has been classified as Pathogenic.

Literature cited by the submitters: PubMed 11115848; PubMed 19293268.